The following is an entry in ClinVar:

NM_022787.4(NMNAT1):c.397C>A (p.Gln133Lys)

Gene: NMNAT1 (nicotinamide nucleotide adenylyltransferase 1; plus strand). Cytogenetic location: 1p36.22.
Variant type: single nucleotide variant.
Coding change: c.397C>A on transcript NM_022787.4 (MANE Select); coding-DNA position 397, C replaced by A.
Protein change: p.Gln133Lys; replaces glutamine 133 with lysine.
Molecular consequence: missense variant.
Genome position (GRCh38, 1-based): chr1:9,981,128, C>A. VCF-style: chr1-9981128-C-A. GRCh37 (hg19) VCF-style: chr1-10041186-C-A.
Other names: c.397C>A, p.Gln133Lys (NM_001297778.1, NM_001297779.2); short protein forms Q133K.
Identifiers: ClinVar variation 1449749 (VCV001449749.7), dbSNP rs377325572, ClinGen allele CA579221.
Genomic context (GRCh38, chr1:9,981,128, plus strand): 5'-CACCAGCAGAACTCACCTACTCTAGAAAGGCCTGGAAGGAAGAGGAAGTGGACTGAAACA[C>A]AAGATTCTAGTCAAAAGAAATCCCTAGAGCCAAAAACAAAAGGTTTGTATGTTTTAGCAG-3'
Protein context (NP_073624.2, residues 123-143): PGRKRKWTET[Gln133Lys]DSSQKKSLEP

ClinVar aggregate classification (germline): Uncertain significance (1 of 4 stars; one submission).

Conditions:
Leber congenital amaurosis 9 (LCA9). Also called: LCA9 Leber Congenital Amaurosis; LCA 9; Amaurosis congenita of Leber, type 9. Identifiers: Orphanet 65, MedGen C1837873, MONDO:0012056, OMIM 608553.

Allele frequency attached by ClinVar (database versions not stated): gnomAD exomes 0.00001; ExAC 0.00002; TOPMed 0.00005; gnomAD 0.00006; ESP Exome Variant Server 0.00008.
gnomAD v4.1: 31 of 1,613,352 alleles (0.0019%); highest among the groups gnomAD compares: African/African-American, 0.004%; no homozygotes.

Submission:

Labcorp Genetics (formerly Invitae), Labcorp
Classification: Uncertain significance for Leber congenital amaurosis 9. Last evaluated: 2023-07-29. Review status: criteria provided, single submitter. Criteria: Invitae Variant Classification Sherloc (09022015). Collection method: clinical testing. Allele origin: germline.
Comment: This sequence change replaces glutamine, which is neutral and polar, with lysine, which is basic and polar, at codon 133 of the NMNAT1 protein (p.Gln133Lys). In summary, the available evidence is currently insufficient to determine the role of this variant in disease. Therefore, it has been classified as a Variant of Uncertain Significance. An algorithm developed to predict the effect of missense changes on protein structure and function (PolyPhen-2) suggests that this variant¬†is likely to be tolerated. ClinVar contains an entry for this variant (Variation ID: 1449749). This variant has not been reported in the literature in individuals affected with NMNAT1-related conditions. This variant is present in population databases (rs377325572, gnomAD 0.007%).